The following is an entry in ClinVar:

ClinVar aggregate classification (germline): Likely pathogenic. Review status: reviewed by expert panel (3 of 4 stars). 5 submissions from 5 submitters: Likely pathogenic (1). 4 of the submissions do not count toward it. Last evaluated 2025-07-29.

Conditions:
Autosomal recessive limb-girdle muscular dystrophy. Identifiers: Orphanet 102015, MedGen C2931907, MONDO:0015152.
Autosomal recessive limb-girdle muscular dystrophy type 2B (LGMDR2). Also called: MUSCULAR DYSTROPHY, LIMB-GIRDLE, AUTOSOMAL RECESSIVE 2; MUSCULAR DYSTROPHY, LIMB-GIRDLE, TYPE 3; Limb-girdle muscular dystrophy, type 2B; Limb-Girdle Muscular Dystrophy Type 2B (LGMD2B). Identifiers: Orphanet 268, MedGen C1850889, MONDO:0009676, OMIM 253601.
Miyoshi muscular dystrophy 1 (MMD1). Identifiers: Orphanet 45448, MedGen C4551973, MONDO:0024545, OMIM 254130.
Neuromuscular disease caused by qualitative or quantitative defects of dysferlin. Also called: Dysferlinopathy; Qualitative or quantitative defects of dysferlin. Identifiers: Orphanet 207073, MedGen C2931687, MONDO:0016145.

Allele frequency attached by ClinVar (database versions not stated): gnomAD exomes below 0.00001 and 0.00001; ExAC 0.00001; gnomAD 0.00001; TOPMed 0.00001.
gnomAD v4.1: 14 of 1,613,832 alleles (0.00087%); highest among the groups gnomAD compares: Non-Finnish European, 0.0012%; no homozygotes.

Submissions (5):

ClinGen Limb Girdle Muscular Dystrophy Variant Curation Expert Panel, ClinGen
Classification: Likely pathogenic for Autosomal recessive limb-girdle muscular dystrophy. Last evaluated: 2025-07-29. Review status: reviewed by expert panel. Criteria: ClinGen LGMD VCEP ACMG Specifications DYSF V1.0.0. Collection method: curation. Allele origin: germline. Inheritance: Autosomal recessive inheritance.
Comment: The NM_003494.4: c.5768-1G>C variant in DYSF, which is also known as NM_001130987.2: c.5885-1G>C, occurs within the canonical splice acceptor site (+/- 1,2) of intron 51. SpliceAI gives a delta score of 1.0 for loss of the canonical acceptor and of 0.96 for gain of a cryptic acceptor 11 bp into the exon. RNAseq showed that this variant results in an 11 bp deletion at the start of exon 52, which is expected to lead to a frameshift, p.(Gly1923AlafsTer23), with nonsense mediated decay expected (PVS1_RNA). This variant has been observed confirmed in trans with a likely pathogenic or pathogenic variant in one individual with 51% of normal dysferlin levels by blood monocyte assay but no clinical details available (NM_003494.4: c.6124C>T p.(Arg2042Cys), PMID: 36983702). The filtering allele frequency of this variant is 0.000018589 in gnomAD v4.1.0 (the upper threshold of the 95% CI of 13/1111846 European (non-Finnish) exome chromosomes), which is less than the ClinGen LGMD VCEP threshold (≤0.0001) (PM2_Supporting). In summary, this variant meets the criteria to be classified as Likely Pathogenic for autosomal recessive limb girdle muscular dystrophy based on the ACMG/AMP criteria applied, as specified by the ClinGen LGMD VCEP (LGMD VCEP specifications version 1.0.0; 07/29/2025): PVS1_RNA, PM2_Supporting.

Natera, Inc.
Classification: Pathogenic for Limb-girdle muscular dystrophy type 2B. Last evaluated: 2025-01-28. Review status: criteria provided, single submitter. Criteria: Natera Variant Classification Schema (03/2026). Collection method: clinical testing. Allele origin: germline. Not counted in ClinVar's aggregate classification.
Comment: The c.5768-1G>C variant in DYSF is a canonical splice acceptor site variant predicted to affect pre-mRNA splicing, which may result in an abnormal transcript and altered protein product. This variant is expected to result in nonsense mediated decay, truncation, or a dysfunctional protein product. This variant is rare in the general population with a frequency below the threshold expected for the associated phenotype(s). This variant has been observed in one or more individuals affected with the associated recessive disease, as either homozygous or compound heterozygous with a second variant (PMID: 36983702). Given the available evidence, this variant is classified as Pathogenic.

Baylor Genetics
Classification: Likely pathogenic for Miyoshi muscular dystrophy 1. Last evaluated: 2023-02-19. Review status: criteria provided, single submitter. Criteria: ACMG Guidelines, 2015. Collection method: clinical testing. Allele origin: unknown. Not counted in ClinVar's aggregate classification.

Labcorp Genetics (formerly Invitae), Labcorp
Classification: Likely pathogenic for Neuromuscular disease caused by qualitative or quantitative defects of dysferlin. Last evaluated: 2022-03-18. Review status: criteria provided, single submitter. Criteria: Invitae Variant Classification Sherloc (09022015). Collection method: clinical testing. Allele origin: germline. Not counted in ClinVar's aggregate classification.
Comment: Algorithms developed to predict the effect of sequence changes on RNA splicing suggest that this variant may disrupt the consensus splice site. ClinVar contains an entry for this variant (Variation ID: 555213). This variant has not been reported in the literature in individuals affected with DYSF-related conditions. This variant is present in population databases (rs771257070, gnomAD 0.0009%). This sequence change affects an acceptor splice site in intron 51 of the DYSF gene. It is expected to disrupt RNA splicing. Variants that disrupt the donor or acceptor splice site typically lead to a loss of protein function (PMID: 16199547), and loss-of-function variants in DYSF are known to be pathogenic (PMID: 17698709, 20301480). In summary, the currently available evidence indicates that the variant is pathogenic, but additional data are needed to prove that conclusively. Therefore, this variant has been classified as Likely Pathogenic.

Counsyl
Classification: Likely pathogenic for Autosomal recessive limb-girdle muscular dystrophy type 2B. Last evaluated: 2017-11-29. Review status: no assertion criteria provided. Collection method: clinical testing. Allele origin: unknown. Not counted in ClinVar's aggregate classification.

Literature cited by the submitters: PubMed 36983702 (cited by Natera, Inc.); PubMed 16199547 (cited by Labcorp Genetics (formerly Invitae), Labcorp); PubMed 17698709 (cited by Labcorp Genetics (formerly Invitae), Labcorp); PubMed 20301480 (cited by Labcorp Genetics (formerly Invitae), Labcorp).

NM_001130987.2(DYSF):c.5885-1G>C

Gene: DYSF (dysferlin; plus strand). Cytogenetic location: 2p13.2.
Variant type: single nucleotide variant.
Coding change: c.5885-1G>C on transcript NM_001130987.2 (MANE Select); the canonical splice acceptor site of the intron before coding-DNA position 5885, G replaced by C.
Molecular consequence: splice acceptor variant.
Genome position (GRCh38, 1-based): chr2:71,679,056, G>C. VCF-style: chr2-71679056-G-C. GRCh37 (hg19) VCF-style: chr2-71906186-G-C.
Other names: c.5861-1G>C (NM_001130979.2); c.5882-1G>C (NM_001130981.2); c.5819-1G>C (NM_001130980.2); c.5831-1G>C (NM_001130978.2); c.5768-1G>C (NM_003494.4); c.5789-1G>C (NM_001130977.2); c.5726-1G>C (NM_001130976.2); c.5864-1G>C (NM_001130982.2); and 5 more.
Identifiers: ClinVar variation 555213 (VCV000555213.10), dbSNP rs771257070, ClinGen allele CA1707541.